The following is an entry in ClinVar:

NM_024675.4(PALB2):c.2470T>C (p.Cys824Arg)

Gene: PALB2 (partner and localizer of BRCA2; minus strand). Cytogenetic location: 16p12.2.
Variant type: single nucleotide variant.
Coding change: c.2470T>C on transcript NM_024675.4 (MANE Select); coding-DNA position 2470, T replaced by C.
Protein change: p.Cys824Arg; replaces cysteine 824 with arginine.
Molecular consequence: missense variant. On other transcripts: intron variant (1).
Genome position (GRCh38, 1-based): chr16:23,629,684, A>G on the plus strand (T>C on the coding strand, the complement: PALB2 is on the minus strand). VCF-style: chr16-23629684-A-G. GRCh37 (hg19) VCF-style: chr16-23641005-A-G.
Other names: c.2410T>C, p.Cys804Arg (NM_001407296.1); c.2470T>C, p.Cys824Arg (NM_001407297.1, NM_001407298.1, NM_001407299.1 and 3 more transcripts); c.1585T>C, p.Cys529Arg (NM_001407304.1, NM_001407305.1, NM_001407306.1 and 5 more transcripts); c.682T>C, p.Cys228Arg (NM_001407312.1, NM_001407313.1); c.49-409T>C (NM_001407314.1); short protein forms C228R, C529R, C824R, C804R.
Identifiers: ClinVar variation 3652181 (VCV003652181.2).

ClinVar aggregate classification (germline): Uncertain significance (1 of 4 stars; one submission).

Conditions:
Familial cancer of breast. Also called: hereditary breast carcinoma; BREAST CANCER, FAMILIAL; Hereditary breast cancer. Identifiers: Orphanet 227535, MedGen C0346153, MONDO:0016419, OMIM 114480. Disease mechanism: loss of function.

gnomAD v4.1: 1 of 1,614,252 alleles (0.000062%); highest among the groups gnomAD compares: Non-Finnish European, 0.000085%; no homozygotes.

Submission:

Labcorp Genetics (formerly Invitae), Labcorp
Classification: Uncertain significance for Familial cancer of breast. Last evaluated: 2024-05-07. Review status: criteria provided, single submitter. Criteria: Invitae Variant Classification Sherloc (09022015). Collection method: clinical testing. Allele origin: germline.
Comment: This sequence change replaces cysteine, which is neutral and slightly polar, with arginine, which is basic and polar, at codon 824 of the PALB2 protein (p.Cys824Arg). This variant is not present in population databases (gnomAD no frequency). This variant has not been reported in the literature in individuals affected with PALB2-related conditions. Advanced modeling of protein sequence and biophysical properties (such as structural, functional, and spatial information, amino acid conservation, physicochemical variation, residue mobility, and thermodynamic stability) performed at Invitae indicates that this missense variant is not expected to disrupt PALB2 protein function with a negative predictive value of 80%. In summary, the available evidence is currently insufficient to determine the role of this variant in disease. Therefore, it has been classified as a Variant of Uncertain Significance.